The following is an entry in ClinVar:

ClinVar aggregate classification (germline): Uncertain significance (1 of 4 stars; one submission).

Conditions:
Waardenburg syndrome type 2A (WS2A). Also called: WAARDENBURG SYNDROME WITHOUT DYSTOPIA CANTHORUM. Identifiers: Orphanet 3440, MedGen C1860339, MONDO:0008671, OMIM 193510.
Tietz syndrome (TADS). Also called: ALBINISM-DEAFNESS OF TIETZ; HYPOPIGMENTATION/DEAFNESS OF TIETZ; TIETZ ALBINISM-DEAFNESS SYNDROME. Identifiers: Orphanet 42665, MedGen C0391816, MONDO:0007077, OMIM 103500.
Melanoma, cutaneous malignant, susceptibility to, 8. Also called: MELANOMA AND RENAL CELL CARCINOMA, SUSCEPTIBILITY TO; Cutaneous malignant melanoma 8. Identifiers: Orphanet 293822, MedGen C3152204, MONDO:0013759, OMIM 614456.

Submission:

Labcorp Genetics (formerly Invitae), Labcorp
Classification: Uncertain significance for Melanoma, cutaneous malignant, susceptibility to, 8; Waardenburg syndrome type 2A; Tietz syndrome. Last evaluated: 2024-03-24. Review status: criteria provided, single submitter. Criteria: Invitae Variant Classification Sherloc (09022015). Collection method: clinical testing. Allele origin: germline.
Comment: This sequence change replaces isoleucine, which is neutral and non-polar, with threonine, which is neutral and polar, at codon 189 of the MITF protein (p.Ile189Thr). This variant is not present in population databases (gnomAD no frequency). This variant has not been reported in the literature in individuals affected with MITF-related conditions. An algorithm developed to predict the effect of missense changes on protein structure and function (PolyPhen-2) suggests that this variant is likely to be disruptive. In summary, the available evidence is currently insufficient to determine the role of this variant in disease. Therefore, it has been classified as a Variant of Uncertain Significance.

NM_001354604.2(MITF):c.887T>C (p.Ile296Thr)

Gene: MITF (melanocyte inducing transcription factor; plus strand). Cytogenetic location: 3p13.
Variant type: single nucleotide variant.
Coding change: c.887T>C on transcript NM_001354604.2 (MANE Select); coding-DNA position 887, T replaced by C.
Protein change: p.Ile296Thr; replaces isoleucine 296 with threonine.
Molecular consequence: missense variant. On other transcripts: intron variant (9).
Genome position (GRCh38, 1-based): chr3:69,951,818, T>C. VCF-style: chr3-69951818-T-C. GRCh37 (hg19) VCF-style: chr3-70000969-T-C.
Other names: c.566T>C, p.Ile189Thr (NM_000248.4); c.884T>C, p.Ile295Thr (NM_001354605.2); c.830-12T>C (NM_001354607.2); c.725-12T>C (NM_001354608.2, NM_001184967.2); c.881-12T>C (NM_198159.3); c.878-12T>C (NM_001354606.2, NM_006722.3); c.833-12T>C (NM_198177.3); c.560-12T>C (NM_198158.3); and 1 more; short protein forms I189T, I295T, I296T.
Identifiers: ClinVar variation 3753191 (VCV003753191.2).